The following is an entry in ClinVar:

NM_002460.4(IRF4):c.593T>C (p.Phe198Ser)

Gene: IRF4 (interferon regulatory factor 4; plus strand). Cytogenetic location: 6p25.3.
Variant type: single nucleotide variant.
Coding change: c.593T>C on transcript NM_002460.4 (MANE Select); coding-DNA position 593, T replaced by C.
Protein change: p.Phe198Ser; replaces phenylalanine 198 with serine.
Molecular consequence: missense variant. On other transcripts: non-coding transcript variant (1).
Genome position (GRCh38, 1-based): chr6:397,208, T>C. VCF-style: chr6-397208-T-C. GRCh37 (hg19) VCF-style: chr6-397208-T-C.
Other names: c.590T>C, p.Phe197Ser (NM_001195286.2); short protein forms F198S, F197S.
Identifiers: ClinVar variation 1423644 (VCV001423644.8), dbSNP rs763891187, ClinGen allele CA3612746.

ClinVar aggregate classification (germline): Uncertain significance (1 of 4 stars; one submission).

Allele frequency attached by ClinVar (database versions not stated): TOPMed below 0.00001; gnomAD 0.00001; gnomAD exomes 0.00001; ExAC 0.00002.
gnomAD v4.1: 4 of 1,614,166 alleles (0.00025%); highest among the groups gnomAD compares: Admixed American, 0.0067%; no homozygotes.

Submission:

Labcorp Genetics (formerly Invitae), Labcorp
Classification: Uncertain significance. Last evaluated: 2023-12-07. Review status: criteria provided, single submitter. Criteria: Invitae Variant Classification Sherloc (09022015). Collection method: clinical testing. Allele origin: germline.
Comment: This sequence change replaces phenylalanine, which is neutral and non-polar, with serine, which is neutral and polar, at codon 198 of the IRF4 protein (p.Phe198Ser). This variant is present in population databases (rs763891187, gnomAD 0.006%). This variant has not been reported in the literature in individuals affected with IRF4-related conditions. ClinVar contains an entry for this variant (Variation ID: 1423644). An algorithm developed to predict the effect of missense changes on protein structure and function (PolyPhen-2) suggests that this variant is likely to be tolerated. In summary, the available evidence is currently insufficient to determine the role of this variant in disease. Therefore, it has been classified as a Variant of Uncertain Significance.